The following is an entry in ClinVar:

NM_139057.4(ADAMTS17):c.2794del (p.Gln932fs)

Gene: ADAMTS17 (ADAM metallopeptidase with thrombospondin type 1 motif 17; minus strand). Cytogenetic location: 15q26.3.
Variant type: Deletion.
Coding change: c.2794del on transcript NM_139057.4 (MANE Select); coding-DNA position 2794, one base deleted (C; older notation c.2794delC).
Protein change: p.Gln932fs; shifts the reading frame from glutamine 932.
Molecular consequence: frameshift variant.
Genome position (GRCh38, 1-based): chr15:99,997,387, G deleted on the plus strand (C on the coding strand, the reverse complement: ADAMTS17 is on the minus strand). VCF-style (leftmost placement, unchanged base first): chr15-99997386-TG-T. GRCh37 (hg19) VCF-style: chr15-100537591-TG-T.
Other names: short protein forms Q932fs.
Identifiers: ClinVar variation 4857596 (VCV004857596.1).

ClinVar aggregate classification (germline): Pathogenic (1 of 4 stars; one submission).

Conditions:
Structural eye disease.

Submission:

Genetics Laboratory, Great Ormond Street Hospital NHS Foundation Trust, North Thames Genomic Laboratory Hub
Classification: Pathogenic for Structural eye disease. Last evaluated: 2026-05-10. Review status: criteria provided, single submitter. Criteria: ACGS Best Practice Guidelines for Variant Classification in Rare Disease 2024 v1.2. Collection method: clinical testing. Allele origin: germline. Affected: yes.
Comment: PM2_moderate, PVS1_very-strong